The following is an entry in ClinVar:

NM_007294.4(BRCA1):c.2006T>A (p.Met669Lys)

Gene: BRCA1 (BRCA1 DNA repair associated; minus strand). Cytogenetic location: 17q21.31.
Variant type: single nucleotide variant.
Coding change: c.2006T>A on transcript NM_007294.4 (MANE Select); coding-DNA position 2006, T replaced by A.
Protein change: p.Met669Lys; replaces methionine 669 with lysine.
Molecular consequence: missense variant. On other transcripts: intron variant (137).
Genome position (GRCh38, 1-based): chr17:43,093,525, A>T on the plus strand (T>A on the coding strand, the complement: BRCA1 is on the minus strand). VCF-style: chr17-43093525-A-T. GRCh37 (hg19) VCF-style: chr17-41245542-A-T.
Other names: c.1793T>A, p.Met598Lys (NM_001407571.1, NM_001407853.1, NM_001407894.1 and 9 more transcripts); c.2006T>A, p.Met669Lys (NM_001407581.1, NM_001407582.1, NM_001407583.1 and 30 more transcripts); c.2003T>A, p.Met668Lys (NM_001407587.1, NM_001407590.1, NM_001407591.1 and 22 more transcripts); c.1997T>A, p.Met666Lys (NM_001407646.1, NM_001407647.1); c.1883T>A, p.Met628Lys (NM_001407648.1, NM_001407664.1, NM_001407665.1 and 19 more transcripts); c.1880T>A, p.Met627Lys (NM_001407649.1, NM_001407670.1, NM_001407671.1 and 11 more transcripts); c.1928T>A, p.Met643Lys (NM_001407653.1, NM_001407654.1, NM_001407655.1 and 4 more transcripts); c.1925T>A, p.Met642Lys (NM_001407659.1, NM_001407660.1, NM_001407661.1 and 1 more transcripts); and 40 more; short protein forms M373K, M542K, M580K, M598K, M599K, M666K, M501K, M558K.
Identifiers: ClinVar variation 2108546 (VCV002108546.6), dbSNP rs80356895, ClinGen allele CA10598001.

ClinVar aggregate classification (germline): Conflicting classifications of pathogenicity. Review status: criteria provided, conflicting classifications (1 of 4 stars). 2 submissions from 2 submitters: Uncertain significance (1); Likely benign (1). Last evaluated 2023-03-23.

Conditions:
Hereditary cancer-predisposing syndrome. Also called: Neoplastic Syndromes, Hereditary; Hereditary Cancer Syndrome; Hereditary neoplastic syndrome; Tumor predisposition. Identifiers: Orphanet 140162, MedGen C0027672, MeSH D009386, MONDO:0015356.
Hereditary breast ovarian cancer syndrome. Also called: Hereditary breast and ovarian cancer syndrome; BRCA1- and BRCA2-Associated Hereditary Breast and Ovarian Cancer; Hereditary breast and ovarian cancer; Hereditary breast and/or ovarian cancer syndrome; Hereditary breast and ovarian cancer syndrome (HBOC); Breast and ovarian cancer. Identifiers: Orphanet 145, MedGen C0677776, MeSH D061325, MONDO:0003582. Disease mechanism: loss of function.

Submissions (2):

University of Washington Department of Laboratory Medicine, University of Washington
Classification: Likely benign for Hereditary cancer-predisposing syndrome. Last evaluated: 2023-03-23. Review status: criteria provided, single submitter. Criteria: Dines et al. (Genet Med. 2020). Collection method: curation. Allele origin: germline.
Comment: Missense variant in a coldspot region where missense variants are very unlikely to be pathogenic (PMID:31911673).

BRCA1 coldspot (exon 11 using historical exon numbering). Reclassification based on statistical prior probability

Labcorp Genetics (formerly Invitae), Labcorp
Classification: Uncertain significance for Hereditary breast ovarian cancer syndrome. Last evaluated: 2022-03-10. Review status: criteria provided, single submitter. Criteria: Invitae Variant Classification Sherloc (09022015). Collection method: clinical testing. Allele origin: germline.
Comment: In summary, the available evidence is currently insufficient to determine the role of this variant in disease. Therefore, it has been classified as a Variant of Uncertain Significance. Advanced modeling of protein sequence and biophysical properties (such as structural, functional, and spatial information, amino acid conservation, physicochemical variation, residue mobility, and thermodynamic stability) performed at Invitae indicates that this missense variant is not expected to disrupt BRCA1 protein function. This variant has not been reported in the literature in individuals affected with BRCA1-related conditions. This variant is not present in population databases (gnomAD no frequency). This sequence change replaces methionine, which is neutral and non-polar, with lysine, which is basic and polar, at codon 669 of the BRCA1 protein (p.Met669Lys).